The following is an entry in ClinVar:

ClinVar aggregate classification (germline): Likely benign (1 of 4 stars; one submission).

Submission:

CeGaT Center for Human Genetics Tuebingen
Classification: Likely benign. Last evaluated: 2024-07-01. Review status: criteria provided, single submitter. Criteria: CeGaT Center For Human Genetics Tuebingen Variant Classification Criteria Version 2. Collection method: clinical testing. Allele origin: germline. Affected: yes. Observed: 2 variant alleles.
Comment: PDZD7: BP4, BS2

NM_001195263.2(PDZD7):c.1522+311_1522+312dup

Gene: PDZD7 (PDZ domain containing 7; minus strand). Cytogenetic location: 10q24.31.
Variant type: Duplication.
Coding change: c.1522+311_1522+312dup on transcript NM_001195263.2 (MANE Select); bases 311 to 312 of the intron after coding-DNA position 1522, 2 bases duplicated (TT; older notation c.1522+311_1522+312dupTT).
Molecular consequence: intron variant.
Genome position (GRCh38, 1-based): chr10:101,017,787-101,017,788, AA duplicated on the plus strand (TT on the coding strand, the reverse complement: PDZD7 is on the minus strand); duplicating any 2 consecutive bases within chr10:101,017,787-101,017,798 gives the same sequence; the c. name uses the placement nearest the transcript's 3' end. VCF-style (leftmost placement, unchanged base first): chr10-101017786-C-CAA. GRCh37 (hg19) VCF-style: chr10-102777543-C-CAA.
Other names: c.1523-173_1523-172dup (NM_024895.5); c.1551-173_1551-172dup (NM_001351044.2).
Identifiers: ClinVar variation 3025866 (VCV003025866.22), dbSNP rs370482213, ClinGen allele CA212982999.
Genomic context (GRCh38, chr10:101,017,786, plus strand): 5'-CAGTGAGCTGAGATGGTGCCATTACACTCTCGCCTGGGCAACAAGAGCAAAACTCCATCT[C>CAA]AAAAAAAAAAAAGAAAGAAAAAGAAAGAAAGGAAAGAAAGGAAGGAAGGAAGGAAAGAAA-3'